The following is an entry in ClinVar:

NM_000071.3(CBS):c.527A>G (p.Glu176Gly)

Gene: CBS (cystathionine beta-synthase; minus strand). Cytogenetic location: 21q22.3.
Variant type: single nucleotide variant.
Coding change: c.527A>G on transcript NM_000071.3 (MANE Select); coding-DNA position 527, A replaced by G.
Protein change: p.Glu176Gly; replaces glutamic acid 176 with glycine.
Molecular consequence: missense variant.
Genome position (GRCh38, 1-based): chr21:43,065,620, T>C on the plus strand (A>G on the coding strand, the complement: CBS is on the minus strand). VCF-style: chr21-43065620-T-C. GRCh37 (hg19) VCF-style: chr21-44485730-T-C.
Other names: c.527A>G, p.Glu176Gly (NM_001178008.3, NM_001178009.3, NM_001320298.2); c.212A>G, p.Glu71Gly (NM_001321072.1); short protein forms E71G, E176G.
Identifiers: ClinVar variation 2756119 (VCV002756119.3), dbSNP rs2517447078, ClinGen allele CA410601275.

ClinVar aggregate classification (germline): Likely pathogenic (1 of 4 stars; one submission).

Conditions:
HYPERHOMOCYSTEINEMIA, THROMBOTIC, CBS-RELATED. Identifiers: MedGen C3150344, OMIM 236200.

Submission:

Labcorp Genetics (formerly Invitae), Labcorp
Classification: Likely pathogenic for HYPERHOMOCYSTEINEMIA, THROMBOTIC, CBS-RELATED. Last evaluated: 2023-08-29. Review status: criteria provided, single submitter. Criteria: Invitae Variant Classification Sherloc (09022015). Collection method: clinical testing. Allele origin: germline.
Comment: This variant has not been reported in the literature in individuals affected with CBS-related conditions. In summary, the currently available evidence indicates that the variant is pathogenic, but additional data are needed to prove that conclusively. Therefore, this variant has been classified as Likely Pathogenic. This variant disrupts the p.Glu176 amino acid residue in CBS. Other variant(s) that disrupt this residue have been determined to be pathogenic (PMID: 9266356, 20506325, 22267502, 22353391, 30732165). This suggests that this residue is clinically significant, and that variants that disrupt this residue are likely to be disease-causing. Advanced modeling of protein sequence and biophysical properties (such as structural, functional, and spatial information, amino acid conservation, physicochemical variation, residue mobility, and thermodynamic stability) performed at Invitae indicates that this missense variant is expected to disrupt CBS protein function. This variant is not present in population databases (gnomAD no frequency). This sequence change replaces glutamic acid, which is acidic and polar, with glycine, which is neutral and non-polar, at codon 176 of the CBS protein (p.Glu176Gly).

Literature cited by the submitters: PubMed 9266356; PubMed 20506325; PubMed 22267502; PubMed 22353391; PubMed 30732165.